The following is an entry in ClinVar:

NM_001282116.2(RFX3):c.1779C>T (p.Ala593=)

Gene: RFX3 (regulatory factor X3; minus strand). Cytogenetic location: 9p24.2.
Variant type: single nucleotide variant.
Coding change: c.1779C>T on transcript NM_001282116.2 (MANE Select); coding-DNA position 1779, C replaced by T.
Protein change: p.Ala593=; no amino-acid change (alanine 593 retained).
Molecular consequence: synonymous variant.
Genome position (GRCh38, 1-based): chr9:3,257,026, G>A on the plus strand (C>T on the coding strand, the complement: RFX3 is on the minus strand). VCF-style: chr9-3257026-G-A. GRCh37 (hg19) VCF-style: chr9-3257026-G-A.
Other names: c.1779C>T, p.Ala593= (NM_001377999.1, NM_002919.4, NM_134428.3).
Identifiers: ClinVar variation 3039089 (VCV003039089.9), dbSNP rs145551511, ClinGen allele CA4967048.

ClinVar aggregate classification (germline): Likely benign. Review status: criteria provided, single submitter (1 of 4 stars). 2 submissions from 2 submitters: Likely benign (1). 1 of the submissions does not count toward it. Last evaluated 2025-04-01.

Conditions:
RFX3-related disorder. Also called: RFX3-related condition.

Allele frequency attached by ClinVar (database versions not stated): gnomAD exomes 0.00019; ESP Exome Variant Server 0.00023; ExAC 0.00041; gnomAD 0.00062; TOPMed 0.00105; 1000 Genomes Project 30x 0.00109; 1000 Genomes Project 0.00120.
gnomAD v4.1: 389 of 1,614,010 alleles (0.024%); highest among the groups gnomAD compares: Admixed American, 0.45%; 4 homozygotes.

Submissions (2):

CeGaT Center for Human Genetics Tuebingen
Classification: Likely benign. Last evaluated: 2025-04-01. Review status: criteria provided, single submitter. Criteria: CeGaT Center For Human Genetics Tuebingen Variant Classification Criteria Version 2. Collection method: clinical testing. Allele origin: germline. Affected: yes. Observed: 1 variant allele.
Comment: RFX3: BP4, BP7

PreventionGenetics, part of Exact Sciences
Classification: Likely benign for RFX3-related condition. Last evaluated: 2019-05-28. Review status: no assertion criteria provided. Collection method: clinical testing. Allele origin: germline. Not counted in ClinVar's aggregate classification.
Comment: This variant is classified as likely benign based on ACMG/AMP sequence variant interpretation guidelines (Richards et al. 2015 PMID: 25741868, with internal and published modifications).